The following is an entry in ClinVar:

NM_003482.4(KMT2D):c.11896_11922del (p.Phe3966_Gln3974del)

Gene: KMT2D (lysine methyltransferase 2D; minus strand). Cytogenetic location: 12q13.12.
Variant type: Deletion.
Coding change: c.11896_11922del on transcript NM_003482.4 (MANE Select); coding-DNA positions 11896 to 11922, 27 bases deleted (TTTCAACAGCAGCAGCAACAGCAGCAG).
Protein change: p.Phe3966_Gln3974del.
Molecular consequence: inframe deletion.
Genome position (GRCh38, 1-based): chr12:49,032,783-49,032,809, CTGCTGCTGTTGCTGCTGCTGTTGAAA deleted on the plus strand (TTTCAACAGCAGCAGCAACAGCAGCAG on the coding strand, the reverse complement: KMT2D is on the minus strand); deleting any 27 consecutive bases within chr12:49,032,783-49,032,821 gives the same sequence; the c. name uses the placement nearest the transcript's 3' end. VCF-style (leftmost placement, unchanged base first): chr12-49032782-TCTGCTGCTGTTGCTGCTGCTGTTGAAA-T. GRCh37 (hg19) VCF-style: chr12-49426565-TCTGCTGCTGTTGCTGCTGCTGTTGAAA-T.
Identifiers: ClinVar variation 1314240 (VCV001314240.5), dbSNP rs746481249, ClinGen allele CA2573053679.

ClinVar aggregate classification (germline): Uncertain significance. Review status: criteria provided, multiple submitters, no conflicts (2 of 4 stars). 2 submissions from 2 submitters: Uncertain significance (2). Last evaluated 2023-04-22.

Conditions:
Kabuki syndrome. Also called: Kabuki make-up syndrome; NIIKAWA-KUROKI SYNDROME. Identifiers: Orphanet 2322, MedGen C0796004, MONDO:0016512.

Submissions (2):

Labcorp Genetics (formerly Invitae), Labcorp
Classification: Uncertain significance for Kabuki syndrome. Last evaluated: 2023-04-22. Review status: criteria provided, single submitter. Criteria: Invitae Variant Classification Sherloc (09022015). Collection method: clinical testing. Allele origin: germline.
Comment: In summary, the available evidence is currently insufficient to determine the role of this variant in disease. Therefore, it has been classified as a Variant of Uncertain Significance. Experimental studies and prediction algorithms are not available or were not evaluated, and the functional significance of this variant is currently unknown. ClinVar contains an entry for this variant (Variation ID: 1314240). This variant has not been reported in the literature in individuals affected with KMT2D-related conditions. This variant is not present in population databases (gnomAD no frequency). This variant, c.11896_11922del, results in the deletion of 9 amino acid(s) of the KMT2D protein (p.Phe3966_Gln3974del), but otherwise preserves the integrity of the reading frame.

GeneDx
Classification: Uncertain significance. Last evaluated: 2021-04-07. Review status: criteria provided, single submitter. Criteria: GeneDx Variant Classification Process June 2021. Collection method: clinical testing. Allele origin: germline. Affected: yes.
Comment: Not observed in large population cohorts (Lek et al., 2016); In silico analysis supports a deleterious effect on protein structure/function; Has not been previously published as pathogenic or benign to our knowledge